The following is an entry in ClinVar:

NM_000202.8(IDS):c.822del (p.Asp275fs)

Genes: IDS (iduronate 2-sulfatase; minus strand), LOC106050102 (IDS recombination region; plus strand). Cytogenetic location: Xq28.
Variant type: Deletion.
Coding change: c.822del on transcript NM_000202.8 (MANE Select); coding-DNA position 822, one base deleted (A; older notation c.822delA).
Protein change: p.Asp275fs; shifts the reading frame from aspartic acid 275.
Molecular consequence: frameshift variant. On other transcripts: non-coding transcript variant (1).
Genome position (GRCh38, 1-based): chrX:149,496,403, T deleted on the plus strand (A on the coding strand, the reverse complement: IDS is on the minus strand); the first of 2 consecutive T bases (chrX:149,496,403-149,496,404); deleting either gives the same sequence. VCF-style (leftmost placement, unchanged base first): chrX-149496402-CT-C. GRCh37 (hg19) VCF-style: chrX-148577933-CT-C.
Other names: c.552del, p.Asp185fs (NM_001166550.4); c.822del, p.Asp275fs (NM_006123.5); short protein forms D185fs, D275fs.
Identifiers: ClinVar variation 3255857 (VCV003255857.2).

ClinVar aggregate classification (germline): Pathogenic (1 of 4 stars; one submission).

Conditions:
Mucopolysaccharidosis, MPS-II (MPS2). Also called: Hunter Syndrome; IDURONATE 2-SULFATASE DEFICIENCY; Mucopolysaccharidosis Type II; Mucopolysaccharidosis type 2; Attenuated MPS (subtype; formerly known as mild MPS II); Severe MPS II. Identifiers: Orphanet 580, Orphanet 79388, MedGen C0026705, MONDO:0010674, OMIM 309900.

Submission:

Laboratory of Diagnosis and Therapy of Lysosomal Disorders, University of Padova
Classification: Pathogenic for Mucopolysaccharidosis, MPS-II. Last evaluated: 2024-06-07. Review status: criteria provided, single submitter. Criteria: ACMG Guidelines, 2015. Collection method: literature only. Allele origin: germline. Affected: yes. Observed: 1 variant allele.
Comment: Null variant (PVS1_VeryStrong), Absent from controls (or at low frequency) in gnomAD database (PM2_Moderate), Patient’s phenotype or family history highly specific for the disease (PP4_Strong)

Classification method: ACMG Guidelines [PMID:25741868] with modifications

Literature cited by the submitters: PubMed 30639582.